The following is an entry in ClinVar:

ClinVar aggregate classification (germline): Likely benign. Review status: criteria provided, multiple submitters, no conflicts (2 of 4 stars). 2 submissions from 2 submitters: Likely benign (2). Last evaluated 2024-06-05.

Allele frequency attached by ClinVar (database versions not stated): ESP Exome Variant Server 0.00008; TOPMed 0.00012; ExAC 0.00013; gnomAD 0.00021; gnomAD exomes 0.00021.
gnomAD v4.1: 331 of 1,613,738 alleles (0.021%); highest among the groups gnomAD compares: Non-Finnish European, 0.026%; 1 homozygote.

Submissions (2):

Labcorp Genetics (formerly Invitae), Labcorp
Classification: Likely benign. Last evaluated: 2024-06-05. Review status: criteria provided, single submitter. Criteria: Invitae Variant Classification Sherloc (09022015). Collection method: clinical testing. Allele origin: germline.

CeGaT Center for Human Genetics Tuebingen
Classification: Likely benign. Last evaluated: 2024-02-01. Review status: criteria provided, single submitter. Criteria: CeGaT Center For Human Genetics Tuebingen Variant Classification Criteria Version 2. Collection method: clinical testing. Allele origin: germline. Affected: yes. Observed: 1 variant allele.
Comment: TEK: BP4, BP7

NM_000459.5(TEK):c.3306C>T (p.Tyr1102=)

Gene: TEK (TEK receptor tyrosine kinase; plus strand). Cytogenetic location: 9p21.2.
Variant type: single nucleotide variant.
Coding change: c.3306C>T on transcript NM_000459.5 (MANE Select); coding-DNA position 3306, C replaced by T.
Protein change: p.Tyr1102=; no amino-acid change (tyrosine 1102 retained).
Molecular consequence: synonymous variant.
Genome position (GRCh38, 1-based): chr9:27,229,163, C>T. VCF-style: chr9-27229163-C-T. GRCh37 (hg19) VCF-style: chr9-27229161-C-T.
Other names: c.3177C>T, p.Tyr1059= (NM_001290077.2); c.2862C>T, p.Tyr954= (NM_001290078.2); c.3303C>T, p.Tyr1101= (NM_001375475.1); c.3174C>T, p.Tyr1058= (NM_001375476.1).
Identifiers: ClinVar variation 3025836 (VCV003025836.24), dbSNP rs151035628, ClinGen allele CA5016830.